The following is an entry in ClinVar:

NM_000388.4(CASR):c.59A>G (p.Tyr20Cys)

Gene: CASR (calcium sensing receptor; plus strand). Cytogenetic location: 3q21.1.
Variant type: single nucleotide variant.
Coding change: c.59A>G on transcript NM_000388.4 (MANE Select); coding-DNA position 59, A replaced by G.
Protein change: p.Tyr20Cys; replaces tyrosine 20 with cysteine.
Molecular consequence: missense variant.
Genome position (GRCh38, 1-based): chr3:122,254,248, A>G. VCF-style: chr3-122254248-A-G. GRCh37 (hg19) VCF-style: chr3-121973095-A-G.
Other names: c.59A>G, p.Tyr20Cys (NM_001178065.2); short protein forms Y20C.
Identifiers: ClinVar variation 3231580 (VCV003231580.1), dbSNP rs2074528819, ClinGen allele CA354362044.
Genomic context (GRCh38, chr3:122,254,248, plus strand): 5'-CCATGGCATTTTATAGCTGCTGCTGGGTCCTCTTGGCACTCACCTGGCACACCTCTGCCT[A>G]CGGGCCAGACCAGCGAGCCCAAAAGAAGGGGGACATTATCCTTGGGGGGCTCTTTCCTAT-3'
Protein context (NP_000379.3, residues 10-30): LLALTWHTSA[Tyr20Cys]GPDQRAQKKG

ClinVar aggregate classification (germline): Uncertain significance (1 of 4 stars; one submission).

Conditions:
Nephrolithiasis/nephrocalcinosis. Identifiers: MedGen CN580796.

Allele frequency attached by ClinVar (database versions not stated): gnomAD exomes below 0.00001; TOPMed below 0.00001.
gnomAD v4.1: 1 of 1,613,966 alleles (0.000062%); highest among the groups gnomAD compares: Non-Finnish European, 0.000085%; no homozygotes.

Submission:

Ambry Genetics
Classification: Uncertain significance for Nephrolithiasis/nephrocalcinosis. Last evaluated: 2023-09-10. Review status: criteria provided, single submitter. Criteria: Ambry Variant Classification Scheme 2023. Collection method: clinical testing. Allele origin: germline.
Comment: The p.Y20C variant (also known as c.59A>G), located in coding exon 1 of the CASR gene, results from an A to G substitution at nucleotide position 59. The tyrosine at codon 20 is replaced by cysteine, an amino acid with highly dissimilar properties. This amino acid position is conserved. In addition, this alteration is predicted to be deleterious by in silico analysis. Since supporting evidence is limited at this time, the clinical significance of this alteration remains unclear.